The following is an entry in ClinVar:

NM_058174.3(COL6A2):c.2554C>T (p.Gln852Ter)

Gene: COL6A2 (collagen type VI alpha 2 chain; plus strand). Cytogenetic location: 21q22.3.
Variant type: single nucleotide variant.
Coding change: c.2554C>T on transcript NM_058174.3 (MANE Plus Clinical); coding-DNA position 2554, C replaced by T.
Protein change: p.Gln852Ter; replaces glutamine 852 with a stop codon.
Molecular consequence: nonsense. On other transcripts: 3 prime UTR variant (1), intron variant (1).
Genome position (GRCh38, 1-based): chr21:46,129,288, C>T. VCF-style: chr21-46129288-C-T. GRCh37 (hg19) VCF-style: chr21-47549202-C-T.
Other names: c.*360C>T (NM_058175.3); c.2462-2666C>T (NM_001849.4); short protein forms Q852*.
Identifiers: ClinVar variation 1029383 (VCV001029383.2), dbSNP rs777172978, ClinGen allele CA10072771.

ClinVar aggregate classification (germline): Pathogenic (1 of 4 stars; one submission).

Conditions:
Ullrich congenital muscular dystrophy 1A. Also called: Intermediate COL6-RD; Ullrich congenital muscular dystrophy 1. Identifiers: Orphanet 75840, MedGen C0410179, MONDO:0009681, OMIM 254090.

Allele frequency attached by ClinVar (database versions not stated): gnomAD exomes 0.00003 and 0.00006; ExAC 0.00005; gnomAD 0.00006 and 0.00007; TOPMed 0.00011.
gnomAD v4.1: 60 of 1,612,956 alleles (0.0037%); highest among the groups gnomAD compares: Middle Eastern, 0.12%; no homozygotes.

Submission:

Baylor Genetics
Classification: Pathogenic for Ullrich congenital muscular dystrophy 1A. Last evaluated: 2019-12-06. Review status: criteria provided, single submitter. Criteria: ACMG Guidelines, 2015. Collection method: clinical testing. Allele origin: unknown. Affected: yes.
Comment: This variant was determined to be pathogenic according to ACMG Guidelines, 2015 [PMID:25741868].